The following is an entry in ClinVar:

ClinVar aggregate classification (germline): Uncertain significance (1 of 4 stars; one submission).

Conditions:
Inborn genetic diseases. Identifiers: MedGen C0950123, MeSH D030342.

Submission:

Ambry Genetics
Classification: Uncertain significance for Inborn genetic diseases. Last evaluated: 2024-03-15. Review status: criteria provided, single submitter. Criteria: Ambry Variant Classification Scheme 2023. Collection method: clinical testing. Allele origin: germline.
Comment: The p.A14T variant (also known as c.40G>A), located in coding exon 2 of the BUB1B gene, results from a G to A substitution at nucleotide position 40. The alanine at codon 14 is replaced by threonine, an amino acid with similar properties. This amino acid position is conserved. In addition, this alteration is predicted to be tolerated by in silico analysis. Based on the available evidence, the clinical significance of this alteration remains unclear.

NM_001211.6(BUB1B):c.40G>A (p.Ala14Thr)

Gene: BUB1B (BUB1 mitotic checkpoint serine/threonine kinase B; plus strand). Cytogenetic location: 15q15.1.
Variant type: single nucleotide variant.
Coding change: c.40G>A on transcript NM_001211.6 (MANE Select); coding-DNA position 40, G replaced by A.
Protein change: p.Ala14Thr; replaces alanine 14 with threonine.
Molecular consequence: missense variant.
Genome position (GRCh38, 1-based): chr15:40,165,057, G>A. VCF-style: chr15-40165057-G-A. GRCh37 (hg19) VCF-style: chr15-40457258-G-A.
Other names: short protein forms A14T.
Identifiers: ClinVar variation 3262213 (VCV003262213.1).
Genomic context (GRCh38, chr15:40,165,057, plus strand): 5'-TAGTGCTATAATAGTCAATGTTGGTATGAGATTTACATTTGTTTCCTTCTTCACAGTGAA[G>A]CCATGTCCCTGGAGGGAGATGAATGGGAACTGAGTAAAGAAAATGTACAACCTTTAAGGC-3'
Protein context (NP_001202.5, residues 4-24): VKKEGGALSE[Ala14Thr]MSLEGDEWEL